The following is an entry in ClinVar:

ClinVar aggregate classification (germline): Uncertain significance. Review status: criteria provided, multiple submitters, no conflicts (2 of 4 stars). 3 submissions from 3 submitters: Uncertain significance (3). Last evaluated 2025-10-28.

Allele frequency attached by ClinVar (database versions not stated): ExAC 0.00001; gnomAD 0.00001 and 0.00002.
gnomAD v4.1: 41 of 1,613,350 alleles (0.0025%); highest among the groups gnomAD compares: Admixed American, 0.0083%; no homozygotes.

Submissions (3):

Labcorp Genetics (formerly Invitae), Labcorp
Classification: Uncertain significance. Last evaluated: 2025-10-28. Review status: criteria provided, single submitter. Criteria: Invitae Variant Classification Sherloc (09022015). Collection method: clinical testing. Allele origin: germline.
Comment: This sequence change replaces alanine, which is neutral and non-polar, with threonine, which is neutral and polar, at codon 302 of the SLC10A2 protein (p.Ala302Thr). This variant is present in population databases (rs201822357, gnomAD 0.003%). This variant has not been reported in the literature in individuals affected with SLC10A2-related conditions. ClinVar contains an entry for this variant (Variation ID: 594390). Invitae Evidence Modeling of protein sequence and biophysical properties (such as structural, functional, and spatial information, amino acid conservation, physicochemical variation, residue mobility, and thermodynamic stability) indicates that this missense variant is not expected to disrupt SLC10A2 protein function with a negative predictive value of 80%. In summary, the available evidence is currently insufficient to determine the role of this variant in disease. Therefore, it has been classified as a Variant of Uncertain Significance.

Ambry Genetics
Classification: Uncertain significance. Last evaluated: 2025-04-01. Review status: criteria provided, single submitter. Criteria: Ambry Variant Classification Scheme 2023. Collection method: clinical testing. Allele origin: germline.

Eurofins Ntd Llc (ga)
Classification: Uncertain significance. Last evaluated: 2017-10-04. Review status: criteria provided, single submitter. Criteria: EGL Classification Definitions 2015. Collection method: clinical testing. Allele origin: germline. Observed: 1 variant allele, 1 heterozygote.

NM_000452.3(SLC10A2):c.904G>A (p.Ala302Thr)

Gene: SLC10A2 (solute carrier family 10 member 2; minus strand). Cytogenetic location: 13q33.1.
Variant type: single nucleotide variant.
Coding change: c.904G>A on transcript NM_000452.3 (MANE Select); coding-DNA position 904, G replaced by A.
Protein change: p.Ala302Thr; replaces alanine 302 with threonine.
Molecular consequence: missense variant.
Genome position (GRCh38, 1-based): chr13:103,049,304, C>T on the plus strand (G>A on the coding strand, the complement: SLC10A2 is on the minus strand). VCF-style: chr13-103049304-C-T. GRCh37 (hg19) VCF-style: chr13-103701654-C-T.
Other names: c.904G>A (NM_000452.2); short protein forms A302T.
Identifiers: ClinVar variation 594390 (VCV000594390.10), dbSNP rs201822357, ClinGen allele CA7041999.